The following is an entry in ClinVar:

ClinVar aggregate classification (germline): Uncertain significance (1 of 4 stars; one submission).

Conditions:
3-methylglutaconic aciduria, type VIIB (MGCA7B). Also called: CLPB Deficiency; 3-methylglutaconic aciduria, type VII, with cataracts, neurologic involvement and neutropenia; 3-methylglutaconic aciduria with cataracts, neurologic involvement and neutropenia. Identifiers: Orphanet 445038, MedGen C5676893, MONDO:0014561, OMIM 616271.

Allele frequency attached by ClinVar (database versions not stated): gnomAD exomes 0.00001; ExAC 0.00002.

Submission:

Labcorp Genetics (formerly Invitae), Labcorp
Classification: Uncertain significance for 3-methylglutaconic aciduria, type VIIB. Last evaluated: 2023-11-17. Review status: criteria provided, single submitter. Criteria: Invitae Variant Classification Sherloc (09022015). Collection method: clinical testing. Allele origin: germline.
Comment: This sequence change replaces valine, which is neutral and non-polar, with isoleucine, which is neutral and non-polar, at codon 246 of the CLPB protein (p.Val246Ile). This variant also falls at the last nucleotide of exon 5, which is part of the consensus splice site for this exon. This variant is present in population databases (rs754823092, gnomAD 0.006%). This variant has not been reported in the literature in individuals affected with CLPB-related conditions. An algorithm developed to predict the effect of missense changes on protein structure and function (PolyPhen-2) suggests that this variant is likely to be tolerated. Variants that disrupt the consensus splice site are a relatively common cause of aberrant splicing (PMID: 17576681, 9536098). Algorithms developed to predict the effect of sequence changes on RNA splicing suggest that this variant may disrupt the consensus splice site. In summary, the available evidence is currently insufficient to determine the role of this variant in disease. Therefore, it has been classified as a Variant of Uncertain Significance.

Literature cited by the submitters: PubMed 17576681; PubMed 9536098.

NM_030813.6(CLPB):c.736G>A (p.Val246Ile)

Gene: CLPB (ClpB family mitochondrial disaggregase; minus strand). Cytogenetic location: 11q13.4.
Variant type: single nucleotide variant.
Coding change: c.736G>A on transcript NM_030813.6 (MANE Plus Clinical); coding-DNA position 736, G replaced by A.
Protein change: p.Val246Ile; replaces valine 246 with isoleucine.
Molecular consequence: missense variant. On other transcripts: intron variant (2).
Genome position (GRCh38, 1-based): chr11:72,372,925, C>T on the plus strand (G>A on the coding strand, the complement: CLPB is on the minus strand). VCF-style: chr11-72372925-C-T. GRCh37 (hg19) VCF-style: chr11-72083969-C-T.
Other names: c.601G>A, p.Val201Ile (NM_001258394.3); c.559+7356G>A (NM_001258393.3); c.646+7356G>A (NM_001258392.3); short protein forms V246I, V201I.
Identifiers: ClinVar variation 2729161 (VCV002729161.3), dbSNP rs754823092, ClinGen allele CA6171464.
Genomic context (GRCh38, chr11:72,372,925, plus strand): 5'-AGACCATCCTTGGCATGTCCTGGGGAGGGGGAGAAATATTATACAGAGCAGTTCCATTAC[C>T]GCCAGCGGGGAGTCCTAGCCATCTCCTGAACTCCAGGGCACTTGTCCACTGGTTTGTGAT-3'
Protein context (NP_110440.1, residues 236-256): FRRWLGLPAG[Val246Ile]LITREDDFNN